The following is an entry in ClinVar:

ClinVar aggregate classification (germline): Uncertain significance (1 of 4 stars; one submission).

Allele frequency attached by ClinVar (database versions not stated): gnomAD exomes below 0.00001 and 0.00001.
gnomAD v4.1: 2 of 1,569,116 alleles (0.00013%); highest among the groups gnomAD compares: Admixed American, 0.0038%; no homozygotes.

Submission:

Labcorp Genetics (formerly Invitae), Labcorp
Classification: Uncertain significance. Last evaluated: 2021-06-24. Review status: criteria provided, single submitter. Criteria: Invitae Variant Classification Sherloc (09022015). Collection method: clinical testing. Allele origin: germline.
Comment: In summary, the available evidence is currently insufficient to determine the role of this variant in disease. Therefore, it has been classified as a Variant of Uncertain Significance. Algorithms developed to predict the effect of missense changes on protein structure and function are either unavailable or do not agree on the potential impact of this missense change (SIFT: "Deleterious"; PolyPhen-2: "Probably Damaging"; Align-GVGD: "Class C0"). This variant has not been reported in the literature in individuals with MED17-related conditions. This variant is not present in population databases (ExAC no frequency). This sequence change replaces aspartic acid with histidine at codon 48 of the MED17 protein (p.Asp48His). The aspartic acid residue is highly conserved and there is a moderate physicochemical difference between aspartic acid and histidine.

NM_004268.5(MED17):c.142G>C (p.Asp48His)

Gene: MED17 (mediator complex subunit 17; plus strand). Cytogenetic location: 11q21.
Variant type: single nucleotide variant.
Coding change: c.142G>C on transcript NM_004268.5 (MANE Select); coding-DNA position 142, G replaced by C.
Protein change: p.Asp48His; replaces aspartic acid 48 with histidine.
Molecular consequence: missense variant.
Genome position (GRCh38, 1-based): chr11:93,784,655, G>C. VCF-style: chr11-93784655-G-C. GRCh37 (hg19) VCF-style: chr11-93517821-G-C.
Other names: short protein forms D48H.
Identifiers: ClinVar variation 1513238 (VCV001513238.8), dbSNP rs925272656, ClinGen allele CA226520693.
Genomic context (GRCh38, chr11:93,784,655, plus strand): 5'-GAGACGTACCTGCCCCCGCTGTCCATGTCGCAGAATCTGGCGCGTCTGGCCCAGCGGATA[G>C]ACTTCAGCCAGGGTTCGGGCTCCGAGGAGGAGGAGGCGGCGGGGACCGAGGGCGACGCGC-3'
Protein context (NP_004259.3, residues 38-58): QNLARLAQRI[Asp48His]FSQGSGSEEE